The following is an entry in ClinVar:

NM_138694.4(PKHD1):c.9642C>T (p.Cys3214=)

Gene: PKHD1 (PKHD1 ciliary IPT domain containing fibrocystin/polyductin; minus strand). Cytogenetic location: 6p12.3.
Variant type: single nucleotide variant.
Coding change: c.9642C>T on transcript NM_138694.4 (MANE Select); coding-DNA position 9642, C replaced by T.
Protein change: p.Cys3214=; no amino-acid change (cysteine 3214 retained).
Molecular consequence: synonymous variant.
Genome position (GRCh38, 1-based): chr6:51,747,974, G>A on the plus strand (C>T on the coding strand, the complement: PKHD1 is on the minus strand). VCF-style: chr6-51747974-G-A. GRCh37 (hg19) VCF-style: chr6-51612772-G-A.
Other names: c.9642C>T, p.Cys3214= (NM_170724.3).
Identifiers: ClinVar variation 4992129 (VCV004992129.1).

ClinVar aggregate classification (germline): Likely benign (1 of 4 stars; one submission).

Conditions:
PKHD1-related disorder. Also called: PKHD1-related condition.

Submission:

PreventionGenetics, part of Exact Sciences
Classification: Likely benign for PKHD1-related condition. Last evaluated: 2026-09-08. Review status: criteria provided, single submitter. Criteria: ACMG Guidelines, 2015. Collection method: clinical testing. Allele origin: germline.
Comment: This variant is classified as likely benign based on ACMG/AMP sequence variant interpretation guidelines (Richards et al. 2015 PMID: 25741868, with internal and published modifications).